The following is an entry in ClinVar:

NM_020975.6(RET):c.2420C>G (p.Ala807Gly)

Gene: RET (ret proto-oncogene; plus strand). Cytogenetic location: 10q11.21.
Variant type: single nucleotide variant.
Coding change: c.2420C>G on transcript NM_020975.6 (MANE Select); coding-DNA position 2420, C replaced by G.
Protein change: p.Ala807Gly; replaces alanine 807 with glycine.
Molecular consequence: missense variant.
Genome position (GRCh38, 1-based): chr10:43,119,558, C>G. VCF-style: chr10-43119558-C-G. GRCh37 (hg19) VCF-style: chr10-43615006-C-G.
Other names: c.2420C>G, p.Ala807Gly (NM_000323.2, NM_001406743.1, NM_001406744.1 and 4 more transcripts); c.1658C>G, p.Ala553Gly (NM_001355216.2); c.2291C>G, p.Ala764Gly (NM_001406761.1, NM_001406762.1, NM_001406764.1); c.2285C>G, p.Ala762Gly (NM_001406763.1, NM_001406765.1); c.2132C>G, p.Ala711Gly (NM_001406766.1, NM_001406767.1, NM_001406770.1); c.2156C>G, p.Ala719Gly (NM_001406768.1); c.2024C>G, p.Ala675Gly (NM_001406769.1, NM_001406772.1); c.1982C>G, p.Ala661Gly (NM_001406771.1, NM_001406773.1); and 10 more; short protein forms A324G, A372G, A412G, A463G, A465G, A468G, A477G, A508G.
Identifiers: ClinVar variation 2444893 (VCV002444893.3), dbSNP rs1554819523, ClinGen allele CA376556091.

ClinVar aggregate classification (germline): Uncertain significance. Review status: criteria provided, multiple submitters, no conflicts (2 of 4 stars). 2 submissions from 2 submitters: Uncertain significance (2). Last evaluated 2023-08-26.

Conditions:
Hereditary cancer-predisposing syndrome. Also called: Neoplastic Syndromes, Hereditary; Hereditary Cancer Syndrome; Tumor predisposition; Hereditary neoplastic syndrome. Identifiers: Orphanet 140162, MedGen C0027672, MeSH D009386, MONDO:0015356.
Multiple endocrine neoplasia type 2A. Also called: MULTIPLE ENDOCRINE NEOPLASIA, TYPE IIA; PTC SYNDROME; SIPPLE SYNDROME; MEN 2A; MEN-2A syndrome; Pheochromocytoma and amyloid producing medullary thyroid carcinoma. Identifiers: Orphanet 247698, Orphanet 653, MedGen C0025268, MeSH D018813, MONDO:0008234, OMIM 171400.

Submissions (2):

Ambry Genetics
Classification: Uncertain significance for Hereditary cancer-predisposing syndrome. Last evaluated: 2023-08-26. Review status: criteria provided, single submitter. Criteria: Ambry Variant Classification Scheme 2023. Collection method: clinical testing. Allele origin: germline.
Comment: The p.A807G variant (also known as c.2420C>G), located in coding exon 14 of the RET gene, results from a C to G substitution at nucleotide position 2420. The alanine at codon 807 is replaced by glycine, an amino acid with similar properties. This amino acid position is conserved. In addition, this alteration is predicted to be deleterious by in silico analysis. Since supporting evidence is limited at this time, the clinical significance of this alteration remains unclear.

St. Jude Molecular Pathology, St. Jude Children's Research Hospital
Classification: Uncertain significance for Multiple endocrine neoplasia type 2A. Last evaluated: 2022-10-26. Review status: criteria provided, single submitter. Criteria: St. Jude Assertion Criteria 2020. Collection method: clinical testing. Allele origin: germline.
Comment: The RET c.2420C>G (p.Ala807Gly) missense change is absent in gnomAD v2.1.1. The in silico tool REVEL predicts a deleterious effect on protein function, but to our knowledge this prediction has not been confirmed by functional studies. To our knowledge, this variant has not been reported in the literature in individuals with multiple endocrine neoplasia type 2. In summary, the evidence currently available is insufficient to determine the clinical significance of this variant. It has therefore been classified as of uncertain significance.